The following is an entry in ClinVar:

ClinVar aggregate classification (germline): Pathogenic (1 of 4 stars; one submission).

Submission:

CeGaT Center for Human Genetics Tuebingen
Classification: Pathogenic. Last evaluated: 2023-11-01. Review status: criteria provided, single submitter. Criteria: CeGaT Center For Human Genetics Tuebingen Variant Classification Criteria Version 2. Collection method: clinical testing. Allele origin: germline. Affected: yes. Observed: 1 variant allele.
Comment: BCKDHB: PVS1, PM2, PP4, PS3:Supporting

NM_183050.4(BCKDHB):c.163_166dup (p.Phe56fs)

Gene: BCKDHB (branched chain keto acid dehydrogenase E1 subunit beta; plus strand). Cytogenetic location: 6q14.1.
Variant type: Duplication.
Coding change: c.163_166dup on transcript NM_183050.4 (MANE Select); coding-DNA positions 163 to 166, 4 bases duplicated (ACTT; older notation c.163_166dupACTT).
Protein change: p.Phe56fs; shifts the reading frame from phenylalanine 56.
Molecular consequence: frameshift variant. On other transcripts: non-coding transcript variant (6), intron variant (2).
Genome position (GRCh38, 1-based): chr6:80,106,856-80,106,859, ACTT duplicated; duplicating any 4 consecutive bases within chr6:80,106,854-80,106,859 gives the same sequence; the c. name uses the placement nearest the transcript's 3' end. VCF-style (leftmost placement, unchanged base first): chr6-80106853-T-TTTAC. GRCh37 (hg19) VCF-style: chr6-80816570-T-TTTAC.
Other names: c.163_166dup, p.Phe56fs (NM_000056.5, NM_001424035.1, NM_001424036.1 and 8 more transcripts); c.-15+173_-15+176dup (NM_001318975.1); c.-15+13_-15+16dup (NM_001424043.1); short protein forms F56fs.
Identifiers: ClinVar variation 2673069 (VCV002673069.23), dbSNP rs2533314221, ClinGen allele CA2695198301.